The following is an entry in ClinVar:

ClinVar aggregate classification (germline): Uncertain significance. Review status: criteria provided, multiple submitters, no conflicts (2 of 4 stars). 4 submissions from 4 submitters: Uncertain significance (4). Last evaluated 2025-05-18.

Conditions:
BARD1-related cancer predisposition. Identifiers: MedGen CN377756, MONDO:0700267.
Hereditary cancer-predisposing syndrome. Also called: Neoplastic Syndromes, Hereditary; Tumor predisposition; Hereditary Cancer Syndrome; Hereditary neoplastic syndrome. Identifiers: Orphanet 140162, MedGen C0027672, MeSH D009386, MONDO:0015356.
Familial cancer of breast. Also called: BREAST CANCER, FAMILIAL; Hereditary breast cancer; hereditary breast carcinoma. Identifiers: Orphanet 227535, MedGen C0346153, MONDO:0016419, OMIM 114480. Disease mechanism: loss of function.

Allele frequency attached by ClinVar (database versions not stated): gnomAD exomes below 0.00001 and 0.00001.
gnomAD v4.1: 8 of 1,614,104 alleles (0.0005%); highest among the groups gnomAD compares: African/African-American, 0.0013%; no homozygotes.

Submissions (4):

Labcorp Genetics (formerly Invitae), Labcorp
Classification: Uncertain significance for Familial cancer of breast. Last evaluated: 2025-05-18. Review status: criteria provided, single submitter. Criteria: Invitae Variant Classification Sherloc (09022015). Collection method: clinical testing. Allele origin: germline.
Comment: This sequence change replaces tyrosine, which is neutral and polar, with cysteine, which is neutral and slightly polar, at codon 492 of the BARD1 protein (p.Tyr492Cys). This variant is present in population databases (rs587782000, gnomAD 0.0009%). This variant has not been reported in the literature in individuals affected with BARD1-related conditions. ClinVar contains an entry for this variant (Variation ID: 141773). An algorithm developed to predict the effect of missense changes on protein structure and function (PolyPhen-2) suggests that this variant is likely to be disruptive. In summary, the available evidence is currently insufficient to determine the role of this variant in disease. Therefore, it has been classified as a Variant of Uncertain Significance.

Department of Pathology and Laboratory Medicine, Sinai Health System
Classification: Uncertain significance for BARD1-related cancer predisposition. Last evaluated: 2025-01-31. Review status: criteria provided, single submitter. Criteria: ACMG Guidelines, 2015. Collection method: clinical testing. Allele origin: germline.

Ambry Genetics
Classification: Uncertain significance for Hereditary cancer-predisposing syndrome. Last evaluated: 2024-03-18. Review status: criteria provided, single submitter. Criteria: Ambry Variant Classification Scheme 2023. Collection method: clinical testing. Allele origin: germline.
Comment: The p.Y492C variant (also known as c.1475A>G), located in coding exon 6 of the BARD1 gene, results from an A to G substitution at nucleotide position 1475. The tyrosine at codon 492 is replaced by cysteine, an amino acid with highly dissimilar properties. This amino acid position is highly conserved in available vertebrate species. In addition, this alteration is predicted to be deleterious by in silico analysis. Since supporting evidence is limited at this time, the clinical significance of this alteration remains unclear.

Color Diagnostics, LLC DBA Color Health
Classification: Uncertain significance for Hereditary cancer-predisposing syndrome. Last evaluated: 2024-03-06. Review status: criteria provided, single submitter. Criteria: ACMG Guidelines, 2015. Collection method: clinical testing. Allele origin: germline.
Comment: This missense variant replaces tyrosine with cysteine at codon 492 of the BARD1 protein. Computational prediction is inconclusive regarding the impact of this variant on protein structure and function (internally defined REVEL score threshold 0.5 < inconclusive < 0.7, PMID: 27666373). To our knowledge, functional studies have not been reported for this variant. This variant has not been reported in individuals affected with hereditary cancer in the literature. This variant has been identified in 1/251332 chromosomes in the general population by the Genome Aggregation Database (gnomAD). The available evidence is insufficient to determine the role of this variant in disease conclusively. Therefore, this variant is classified as a Variant of Uncertain Significance.

Literature cited by the submitters: PubMed 33471991 (cited by Department of Pathology and Laboratory Medicine, Sinai Health System).

NM_000465.4(BARD1):c.1475A>G (p.Tyr492Cys)

Gene: BARD1 (BRCA1 associated RING domain 1; minus strand). Cytogenetic location: 2q35.
Variant type: single nucleotide variant.
Coding change: c.1475A>G on transcript NM_000465.4 (MANE Select); coding-DNA position 1475, A replaced by G.
Protein change: p.Tyr492Cys; replaces tyrosine 492 with cysteine.
Molecular consequence: missense variant. On other transcripts: non-coding transcript variant (3), intron variant (3).
Genome position (GRCh38, 1-based): chr2:214,767,575, T>C on the plus strand (A>G on the coding strand, the complement: BARD1 is on the minus strand). VCF-style: chr2-214767575-T-C. GRCh37 (hg19) VCF-style: chr2-215632299-T-C.
Other names: c.1418A>G, p.Tyr473Cys (NM_001282543.2); c.159-15020A>G (NM_001282548.2); c.216-15020A>G (NM_001282545.2); c.364+24722A>G (NM_001282549.2); short protein forms Y492C, Y473C.
Identifiers: ClinVar variation 141773 (VCV000141773.21), dbSNP rs587782000, ClinGen allele CA333227.
Genomic context (GRCh38, chr2:214,767,575, plus strand): 5'-AGCTTGACTATATCCACATGCCCATTCTTGGCTGCATCGTGAAGTGGTGAGTCATTTTGA[T>C]ACCCGGTGGTGTTCACCAATGCCTTATGCTGGAGCAATAATTCCACTACCTTCAGGTGCC-3'
Protein context (NP_000456.2, residues 482-502): QHKALVNTTG[Tyr492Cys]QNDSPLHDAA